The following is an entry in ClinVar:

NM_015102.5(NPHP4):c.2435G>A (p.Gly812Asp)

Gene: NPHP4 (nephrocystin 4; minus strand). Cytogenetic location: 1p36.31.
Variant type: single nucleotide variant.
Coding change: c.2435G>A on transcript NM_015102.5 (MANE Select); coding-DNA position 2435, G replaced by A.
Protein change: p.Gly812Asp; replaces glycine 812 with aspartic acid.
Molecular consequence: missense variant. On other transcripts: non-coding transcript variant (1).
Genome position (GRCh38, 1-based): chr1:5,887,336, C>T on the plus strand (G>A on the coding strand, the complement: NPHP4 is on the minus strand). VCF-style: chr1-5887336-C-T. GRCh37 (hg19) VCF-style: chr1-5947396-C-T.
Other names: c.896G>A, p.Gly299Asp (NM_001291593.2); c.899G>A, p.Gly300Asp (NM_001291594.2); short protein forms G812D, G300D, G299D.
Identifiers: ClinVar variation 1958460 (VCV001958460.5), dbSNP rs2523563444, ClinGen allele CA338058616.

ClinVar aggregate classification (germline): Uncertain significance (1 of 4 stars; one submission).

Conditions:
Nephronophthisis. Also called: Juvenile Nephronophthisis. Identifiers: Orphanet 655, MedGen C0687120, MONDO:0019005, HP:0000090.

Allele frequency attached by ClinVar (database versions not stated): gnomAD exomes below 0.00001.
gnomAD v4.1: 1 of 1,613,606 alleles (0.000062%); highest among the groups gnomAD compares: Non-Finnish European, 0.000085%; no homozygotes.

Submission:

Labcorp Genetics (formerly Invitae), Labcorp
Classification: Uncertain significance for Nephronophthisis. Last evaluated: 2022-11-01. Review status: criteria provided, single submitter. Criteria: Invitae Variant Classification Sherloc (09022015). Collection method: clinical testing. Allele origin: germline.
Comment: This variant has not been reported in the literature in individuals affected with NPHP4-related conditions. In summary, the available evidence is currently insufficient to determine the role of this variant in disease. Therefore, it has been classified as a Variant of Uncertain Significance. Algorithms developed to predict the effect of missense changes on protein structure and function output the following: SIFT: "Deleterious"; PolyPhen-2: "Benign"; Align-GVGD: "Class C0". The aspartic acid amino acid residue is found in multiple mammalian species, which suggests that this missense change does not adversely affect protein function. This variant is not present in population databases (gnomAD no frequency). This sequence change replaces glycine, which is neutral and non-polar, with aspartic acid, which is acidic and polar, at codon 812 of the NPHP4 protein (p.Gly812Asp).